The following is an entry in ClinVar:

ClinVar aggregate classification (germline): Uncertain significance. Review status: criteria provided, multiple submitters, no conflicts (2 of 4 stars). 2 submissions from 2 submitters: Uncertain significance (2). Last evaluated 2022-08-11.

Conditions:
Bethlem myopathy 1A. Also called: Bethlem Muscular Dystrophy; MYOPATHY, BENIGN CONGENITAL, WITH CONTRACTURES; Bethlem myopathy 1. Identifiers: Orphanet 610, MedGen CN029274, MONDO:0024530, OMIM 158810.
Myosclerosis. Also called: MYOPATHY, MYOSCLEROTIC; MYOSCLEROSIS, CONGENITAL, OF LOWENTHAL; Myosclerosis, congenital. Identifiers: Orphanet 289380, MedGen C1850671, MONDO:0009714, OMIM 255600.

Allele frequency attached by ClinVar (database versions not stated): gnomAD exomes below 0.00001.
gnomAD v4.1: 2 of 1,612,120 alleles (0.00012%); highest among the groups gnomAD compares: Non-Finnish European, 0.00017%; no homozygotes.

Submissions (2):

Labcorp Genetics (formerly Invitae), Labcorp
Classification: Uncertain significance for Bethlem myopathy 1A. Last evaluated: 2022-08-11. Review status: criteria provided, single submitter. Criteria: Invitae Variant Classification Sherloc (09022015). Collection method: clinical testing. Allele origin: germline.
Comment: This sequence change replaces cysteine, which is neutral and slightly polar, with serine, which is neutral and polar, at codon 6 of the COL6A2 protein (p.Cys6Ser). In summary, the available evidence is currently insufficient to determine the role of this variant in disease. Therefore, it has been classified as a Variant of Uncertain Significance. Advanced modeling of protein sequence and biophysical properties (such as structural, functional, and spatial information, amino acid conservation, physicochemical variation, residue mobility, and thermodynamic stability) performed at Invitae indicates that this missense variant is not expected to disrupt COL6A2 protein function. ClinVar contains an entry for this variant (Variation ID: 1032775). This variant has not been reported in the literature in individuals affected with COL6A2-related conditions. This variant is not present in population databases (gnomAD no frequency).

Baylor Genetics
Classification: Uncertain significance for Myosclerosis. Last evaluated: 2018-02-21. Review status: criteria provided, single submitter. Criteria: ACMG Guidelines, 2015. Collection method: clinical testing. Allele origin: paternal. Affected: yes.
Comment: This variant was determined to be of uncertain significance according to ACMG Guidelines, 2015 [PMID:25741868].

NM_001849.4(COL6A2):c.16T>A (p.Cys6Ser)

Gene: COL6A2 (collagen type VI alpha 2 chain; plus strand). Cytogenetic location: 21q22.3.
Variant type: single nucleotide variant.
Coding change: c.16T>A on transcript NM_001849.4 (MANE Select); coding-DNA position 16, T replaced by A.
Protein change: p.Cys6Ser; replaces cysteine 6 with serine.
Molecular consequence: missense variant.
Genome position (GRCh38, 1-based): chr21:46,111,492, T>A. VCF-style: chr21-46111492-T-A. GRCh37 (hg19) VCF-style: chr21-47531406-T-A.
Other names: c.16T>A, p.Cys6Ser (NM_058174.3, NM_058175.3); short protein forms C6S.
Identifiers: ClinVar variation 1032775 (VCV001032775.7), dbSNP rs2078397289, ClinGen allele CA410519025.